The following is an entry in ClinVar:

NM_015909.4(NBAS):c.2063_2066del (p.Lys687_Leu688insTer)

Gene: NBAS (NBAS subunit of NRZ tethering complex; minus strand). Cytogenetic location: 2p24.3.
Variant type: Deletion.
Coding change: c.2063_2066del on transcript NM_015909.4 (MANE Select); coding-DNA positions 2063 to 2066, 4 bases deleted (TATT; older notation c.2063_2066delTATT).
Protein change: p.Lys687_Leu688insTer.
Molecular consequence: nonsense. On other transcripts: non-coding transcript variant (1).
Genome position (GRCh38, 1-based): chr2:15,467,360-15,467,363, AATA deleted on the plus strand (TATT on the coding strand, the reverse complement: NBAS is on the minus strand); deleting any 4 consecutive bases within chr2:15,467,360-15,467,364 gives the same sequence; the c. name uses the placement nearest the transcript's 3' end. VCF-style (leftmost placement, unchanged base first): chr2-15467359-TAATA-T. GRCh37 (hg19) VCF-style: chr2-15607483-TAATA-T.
Identifiers: ClinVar variation 1982776 (VCV001982776.4), dbSNP rs1679766907, ClinGen allele CA2490909590.
Genomic context (GRCh38, chr2:15,467,359, plus strand): 5'-ATAATTGGTTTGACAAAAATTATTCATTACCTCATATGTTGCAAGTCGATCTAAGTAGGT[TAATA>T]ACTTCCGTCTACAACGGCAAAGTTCCTTTTGTTCCAGTGTCAACCTGTTTTGAATAACTA-3'

ClinVar aggregate classification (germline): Pathogenic (1 of 4 stars; one submission).

Submission:

Labcorp Genetics (formerly Invitae), Labcorp
Classification: Pathogenic. Last evaluated: 2024-02-05. Review status: criteria provided, single submitter. Criteria: Invitae Variant Classification Sherloc (09022015). Collection method: clinical testing. Allele origin: germline.
Comment: This sequence change creates a premature translational stop signal (p.Leu688*) in the NBAS gene. It is expected to result in an absent or disrupted protein product. Loss-of-function variants in NBAS are known to be pathogenic (PMID: 26073778, 26541327, 27789416, 28031453). This variant is not present in population databases (gnomAD no frequency). This variant has not been reported in the literature in individuals affected with NBAS-related conditions. ClinVar contains an entry for this variant (Variation ID: 1982776). For these reasons, this variant has been classified as Pathogenic.

Literature cited by the submitters: PubMed 26073778; PubMed 26541327; PubMed 27789416; PubMed 28031453.